The following is an entry in ClinVar:

NC_000011.10:g.47332282_47332306del

Gene: MYBPC3 (myosin binding protein C3; minus strand). Cytogenetic location: 11p11.2.
Variant type: Deletion.
Genome position: GRCh38 VCF-style: chr11-47332274-AGAGAGGGAGGGAAGCCATCCAGGCT-A. GRCh37 (hg19) VCF-style: chr11-47353825-AGAGAGGGAGGGAAGCCATCCAGGCT-A.
Other names: c.3628-41_3628-17del (NM_000256.3); c.3628-41_3628-17delAGCCTGGATGGCTTCCCTCCCTCTC (NM_000256.3); c.3628-41_3628-17del25 (NM_000256.3).
Identifiers: ClinVar variation 177677 (VCV000177677.37), dbSNP rs36212066, ClinGen allele CA079470.

ClinVar aggregate classification (germline): Conflicting classifications of pathogenicity. Review status: criteria provided, conflicting classifications (1 of 4 stars). 17 submissions from 17 submitters: Pathogenic (2); Likely pathogenic (1); Uncertain significance (5); Benign (1); Likely benign (6). 2 of the submissions do not count toward it. Last evaluated 2025-03-03.

Conditions:
MYBPC3-related disorder. Also called: MYBPC3-related disorders; MYBPC3-related condition; MYBPC3-related disease.
Cardiovascular phenotype. Identifiers: MedGen CN230736.
Left ventricular noncompaction 10 (LVNC10). Identifiers: Orphanet 154, Orphanet 54260, MedGen C3715165, MONDO:0014163, OMIM 615396.
Hypertrophic cardiomyopathy 4. Also called: Familial hypertrophic cardiomyopathy 4. Identifiers: MedGen C1861862, MONDO:0007268, OMIM 115197.
Cardiomyopathy (CMYO). Also called: Cardiomyopathies. Identifiers: Orphanet 167848, MedGen C0878544, MONDO:0004994, HP:0001638. Inheritance: Various modes of inheritance.
Hypertrophic cardiomyopathy. Also called: HYPERTROPHIC MYOCARDIOPATHY. Identifiers: Orphanet 217569, MedGen C0007194, MeSH D002312, MONDO:0005045, HP:0001639.

Submissions 1 to 11 of 17:

ARUP Laboratories, Molecular Genetics and Genomics, ARUP Laboratories
Classification: Likely benign. Last evaluated: 2025-03-03. Review status: criteria provided, single submitter. Criteria: ARUP Molecular Germline Variant Investigation Process 2024. Collection method: clinical testing. Allele origin: germline.

Labcorp Genetics (formerly Invitae), Labcorp
Classification: Likely benign for Hypertrophic cardiomyopathy. Last evaluated: 2025-01-22. Review status: criteria provided, single submitter. Criteria: Invitae Variant Classification Sherloc (09022015). Collection method: clinical testing. Allele origin: germline.

Mendelics
Classification: Likely benign for Hypertrophic cardiomyopathy 4. Last evaluated: 2024-10-31. Review status: criteria provided, single submitter. Criteria: Mendelics Assertion Criteria 2019. Collection method: clinical testing. Allele origin: germline.
Comment: The NM_000256.3(MYBPC3):c.3628-41_3628-17del variant (rs36212066) has a GnomAD 4.1.0 frequency of 0.001855 (2992 heterozygotes) with 67 homozygotes. This frequency and the number of homozygotes are not compatible to a variant causing the disease.

GeneDx
Classification: Likely benign. Last evaluated: 2024-02-02. Review status: criteria provided, single submitter. Criteria: GeneDx Variant Classification Process June 2021. Collection method: clinical testing. Allele origin: germline. Affected: yes.
Comment: See Variant Classification Assertion Criteria.

Molecular Diagnostic Laboratory for Inherited Cardiovascular Disease, Montreal Heart Institute
Classification: Pathogenic for Cardiovascular phenotype. Last evaluated: 2023-08-11. Review status: criteria provided, single submitter. Criteria: ACMG Guidelines, 2015. Collection method: clinical testing. Allele origin: germline. Affected: yes.

3billion
Classification: Uncertain significance for Hypertrophic cardiomyopathy 4. Last evaluated: 2023-08-02. Review status: criteria provided, single submitter. Criteria: ACMG Guidelines, 2015. Collection method: clinical testing. Allele origin: germline. Affected: yes.
Comment: The variant is observed at an extremely low frequency in the gnomAD v2.1.1 dataset (total allele frequency: 0.003%). Predicted Consequence/Location: Intron variant In silico tools predict the variant to alter splicing and produce an abnormal transcript [SpliceAI: 0.99 (>=0.2, moderate evidence for spliceogenicity)]. The variant has been observed in multiple (>3) similarly affected unrelated individuals (PMID: 30025578, 32163302, 32396390). The variant has been reported to co-segregate with the disease in at least one similarly affected relative/individual in the same family or similarly affected unrelated family (PMID: 32396390). The variant has been reported at least twice as pathogenic with clinical assertions and evidence for the classification (ClinVar ID: VCV000188544 /PMID: 30025578). Therefore, this variant is classified as Pathogenic according to the recommendation of ACMG/AMP guideline.

CHEO Genetics Diagnostic Laboratory, Children's Hospital of Eastern Ontario
Classification: Uncertain significance for Cardiomyopathy. Last evaluated: 2023-06-02. Review status: criteria provided, single submitter. Criteria: ACMG Guidelines, 2015. Collection method: clinical testing. Allele origin: germline.

Department of Pathology and Laboratory Medicine, Sinai Health System
Classification: Uncertain significance for Hypertrophic cardiomyopathy 4; Left ventricular noncompaction 10. Last evaluated: 2023-05-09. Review status: criteria provided, single submitter. Criteria: ACMG Guidelines, 2015. Collection method: research. Allele origin: germline.

AiLife Diagnostics
Classification: Pathogenic. Last evaluated: 2022-02-22. Review status: criteria provided, single submitter. Criteria: ACMG Guidelines, 2015. Collection method: clinical testing. Allele origin: germline. Affected: yes. Observed: 6 variant alleles.

Women's Health and Genetics/Laboratory Corporation of America, LabCorp
Classification: Benign. Last evaluated: 2021-03-12. Review status: criteria provided, single submitter. Criteria: LabCorp Variant Classification Summary - May 2015. Collection method: clinical testing. Allele origin: germline.
Comment: Variant summary: MYBPC3 c.3628-41_3628-17del25 (also reported as the MYBPC3 delta25 variant) alters a non-conserved nucleotide located close to a canonical splice site and therefore could affect mRNA splicing, leading to a significantly altered protein sequence. 4/4 computational tools predict no significant impact on normal splicing. In contrast, early publications demonstrated that the variant affects normal splicing leading to skipping of exon 33 and a loss of 62 amino acids that modified the C10 domain of the MYBPC3 protein (Waldmuller_2003, Dhandapany_2009). However, both residual normally spliced and deleted transcripts were reported in these studies, therefore the exact in-vivo consequence of this finding remains questionable in light of additional reports summarized below. The variant allele was found at a frequency of 0.004 in 250036 control chromosomes, predominantly at a frequency of 0.032 within the South Asian subpopulation in the gnomAD database, including 19 homozygotes. The observed variant frequency within South Asian control individuals in the gnomAD database is approximately 32 fold of the estimated maximal expected allele frequency for a pathogenic variant in MYBPC3 causing Hypertrophic Cardiomyopathy phenotype (0.001), strongly suggesting that the variant is a benign polymorphism found primarily in populations of South Asian origin. c.3628-41_3628-17del25 has been reported in the literature predominantly in studies of South Asian individuals affected with Hypertrophic Cardiomyopathy (example, Waldmuller_2003, Tanjore_2008, Dhandapany_2009, Alfares_2015, Harper_2020). In a conservative ascertainment of families reported with this variant, we captured 7 transmissions of the variant allele and 5 transmissions of the reference allele to affected individuals (Waldmuller_2003, Tanjore_2008) suggestive of lack of segregation with disease. A recent study reported that the risk of HCM previously attributed to this 25-base pair deletion is explained by a linkage disequilibrium between this deletion and another deep intronic MYBPC3 variant, c.1224-52G>A which is causative of HCM (Harper_2020). Direct comparison of the proportion of heterozygous MYBPC3 delta25 variant carriers between the HCMR (17/134) and gnomAD (943/15 296) South Asian cohorts indicated a 2-fold enrichment within HCM cases (odds ratio [OR], 2.1 [95% CI, 1.2-3.4]; P=0.008). When HCMR probands with the MYBPC3 delta25/52 haplotype were excluded, no difference was observed (OR, 0.96 [95% CI, 0.40-1.95]; P=1.0). Therefore, these data do not allow any conclusion about the significance of c.3628-41_3628-17del25 in isolation. Multiple co-occurrences with other pathogenic variant(s) have been reported, example, PRKAG2 c.905G>A, p.Arg302Gln (Alfares_2015); MYBPC3 c.1224-52G>A; MYBPC3 c.2827C>T, p.Arg943*; MYBPC3 c.821+2T>C (Harper_2020), providing additional supporting evidence for a benign role. At least one publication reports experimental evidence evaluating an impact on protein function in a mice model. The most pronounced variant effect results in an HCM phenotype in mice at 12 weeks of age and mislocalization of the mutant protein to the sarcomere resulting in its categorization as an at-risk allele for heart failure and adverse cardiovascular outcomes (Kuster_2019, Sadayappan_2020). However, in the context of our ascertainment, when objectively ascertained for the degree of reported contractile dysfunction and HCM in vivo attributed to this variant, the evidence as reported is not translatable to an in-vivo impact in humans (Kuster_2019). Eight clinical diagnostic laboratories have submitted clinical-significance assessments for this variant to ClinVar after 2014 without evidence for independent evaluation. Multiple laboratories reported the variant with conflicting assessments (pathogenic, n=1; likely pathogenic, n=4, VUS, n=2; benign, n=1). Some submitters cite overlapping but not all the recently published evidence utilized in the context of this evaluation. Based on the evidence outlined above, the variant in isolation (MYBPC3 delta25) without the c.1224-52G>A variant, was re-classified as benign.

Laboratory for Molecular Medicine, Mass General Brigham Personalized Medicine
Classification: Likely benign. Last evaluated: 2020-08-14. Review status: criteria provided, single submitter. Criteria: LMM Criteria. Collection method: clinical testing. Allele origin: germline. Observed: 49 variant alleles.
Comment: The c.3628-41_3628-17del variant in MYBPC3 has been identified in 3.2% (981/30592) of South Asian chromosomes, including 19 homozygotes, by gnomAD. This variant has been previously considered to be a common low-penetrance variant associated with milder, late-onset HCM in the heterozygote state, or early-onset disease in an autosomal recessive manner (Dhandapany 2009 PMID: 19151713, Waldmuller 2003 PMID: 12788380, Tanjore 2008 PMID: 18273486, Bashyam 2012 PMID: 21959974). A recent report has shown that this variant is not directly associated to cardiomyopathy but rather is in tight linkage disequilibrium with a rare intronic pathogenic MYBPC3 variant (c.1224-52G>A) that is reported to be one of the most frequent pathogenic variants associated to HCM in both Europeans and South Asians (Harper 2020 PMID: 32163302). Thus, the risk previously attributed to this variant can be explained by the intronic c.1224-52G>A variant. In summary, this variant is classified as likely benign. ACMG/AMP Criteria applied: BS1, BP2.